The following is an entry in ClinVar:

ClinVar aggregate classification (germline): Pathogenic (1 of 4 stars; one submission).

Conditions:
Nanophthalmia. Also called: Nanophthalmos. Identifiers: Orphanet 35612, MedGen C4274282, MONDO:0005514.

Submission:

Genetics Department, University Hospital of Toulouse
Classification: Pathogenic for Nanophthalmia. Last evaluated: 2025-10-05. Review status: criteria provided, single submitter. Criteria: ACMG Guidelines, 2015. Collection method: clinical testing. Allele origin: biparental. Affected: yes. Observed: 2 variant alleles.
Comment: The NM_001195129.2:c.69C>A p.(Tyr23*), is a nonsense variant in PRSS56 which is predicted to result in a premature stop codon at position 23, and likely results in an absent or disrupted protein product (PVS1). This variant has never been reported in ClinVar or in the litterature. This variant is not present in gnomAD (PM2_sup). In summary, this variant meets criteria to be classified as pathogenic for nanophthalmia on the ACMG/AMP criteria applied : PVS1, PM2, PP4.

NM_001195129.2(PRSS56):c.69C>A (p.Tyr23Ter)

Gene: PRSS56 (serine protease 56; plus strand). Cytogenetic location: 2q37.1.
Variant type: single nucleotide variant.
Coding change: c.69C>A on transcript NM_001195129.2 (MANE Select); coding-DNA position 69, C replaced by A.
Protein change: p.Tyr23Ter; replaces tyrosine 23 with a stop codon.
Molecular consequence: nonsense.
Genome position (GRCh38, 1-based): chr2:232,520,667, C>A. VCF-style: chr2-232520667-C-A. GRCh37 (hg19) VCF-style: chr2-233385377-C-A.
Other names: c.69C>A, p.Tyr23Ter (NM_001369848.1); short protein forms Y23*.
Identifiers: ClinVar variation 4796015 (VCV004796015.1).